The following is an entry in ClinVar:

ClinVar aggregate classification (germline): Benign (1 of 4 stars; one submission).

Conditions:
Tuberous sclerosis 2 (TSC2). Identifiers: Orphanet 805, MedGen C1860707, MONDO:0013199, OMIM 613254.

gnomAD v4.1: 4 of 1,599,226 alleles (0.00025%); highest among the groups gnomAD compares: East Asian, 0.0045%; no homozygotes.

Submission:

Myriad Genetics, Inc.
Classification: Benign for Tuberous sclerosis 2. Last evaluated: 2025-06-09. Review status: criteria provided, single submitter. Criteria: Myriad Autosomal Dominant, Autosomal Recessive and X-Linked Classification Criteria (2023). Collection method: clinical testing. Allele origin: unknown.
Comment: This variant is considered benign. This variant occurs in the non-coding 3' untranslated region of the gene, and is not expected to impact protein function.

NM_000548.5(TSC2):c.*10C>T

Gene: TSC2 (TSC complex subunit 2; plus strand). Cytogenetic location: 16p13.3.
Variant type: single nucleotide variant.
Coding change: c.*10C>T on transcript NM_000548.5 (MANE Select); 10 bases downstream of the stop codon, C replaced by T.
Molecular consequence: 3 prime UTR variant. On other transcripts: non-coding transcript variant (5).
Genome position (GRCh38, 1-based): chr16:2,088,620, C>T. VCF-style: chr16-2088620-C-T. GRCh37 (hg19) VCF-style: chr16-2138621-C-T.
Other names: c.*10C>T (NM_001406678.1, NM_001406679.1, NM_001406680.1 and 39 more transcripts).
Identifiers: ClinVar variation 4071122 (VCV004071122.1).